The following is an entry in ClinVar:

ClinVar aggregate classification (germline): Uncertain significance. Review status: criteria provided, single submitter (1 of 4 stars). 2 submissions from 2 submitters: Uncertain significance (1). 1 of the submissions does not count toward it. Last evaluated 2024-06-19.

Conditions:
ABCC2-related disorder. Also called: ABCC2-related condition.

gnomAD v4.1: 1 of 1,612,588 alleles (0.000062%); highest among the groups gnomAD compares: Admixed American, 0.0017%; no homozygotes.

Submissions (2):

Labcorp Genetics (formerly Invitae), Labcorp
Classification: Uncertain significance. Last evaluated: 2024-06-19. Review status: criteria provided, single submitter. Criteria: Invitae Variant Classification Sherloc (09022015). Collection method: clinical testing. Allele origin: germline.
Comment: This sequence change replaces leucine, which is neutral and non-polar, with phenylalanine, which is neutral and non-polar, at codon 1370 of the ABCC2 protein (p.Leu1370Phe). This variant is not present in population databases (gnomAD no frequency). This variant has not been reported in the literature in individuals affected with ABCC2-related conditions. Advanced modeling of protein sequence and biophysical properties (such as structural, functional, and spatial information, amino acid conservation, physicochemical variation, residue mobility, and thermodynamic stability) has been performed at Invitae for this missense variant, however the output from this modeling did not meet the statistical confidence thresholds required to predict the impact of this variant on ABCC2 protein function. In summary, the available evidence is currently insufficient to determine the role of this variant in disease. Therefore, it has been classified as a Variant of Uncertain Significance.

PreventionGenetics, part of Exact Sciences
Classification: Uncertain significance for ABCC2-related condition. Last evaluated: 2024-07-03. Review status: no assertion criteria provided. Collection method: clinical testing. Allele origin: germline. Not counted in ClinVar's aggregate classification.
Comment: The ABCC2 c.4108C>T variant is predicted to result in the amino acid substitution p.Leu1370Phe. To our knowledge, this variant has not been reported in the literature or in a large population database, indicating this variant is rare. While we suspect this variant may be pathogenic, at this time the clinical significance of this variant is uncertain due to the absence of conclusive functional and genetic evidence.

NM_000392.5(ABCC2):c.4108C>T (p.Leu1370Phe)

Gene: ABCC2 (ATP binding cassette subfamily C member 2; plus strand). Cytogenetic location: 10q24.2.
Variant type: single nucleotide variant.
Coding change: c.4108C>T on transcript NM_000392.5 (MANE Select); coding-DNA position 4108, C replaced by T.
Protein change: p.Leu1370Phe; replaces leucine 1370 with phenylalanine.
Molecular consequence: missense variant.
Genome position (GRCh38, 1-based): chr10:99,845,744, C>T. VCF-style: chr10-99845744-C-T. GRCh37 (hg19) VCF-style: chr10-101605501-C-T.
Other names: short protein forms L1370F.
Identifiers: ClinVar variation 3357393 (VCV003357393.3).